The following is an entry in ClinVar:

NM_000501.4(ELN):c.799G>A (p.Gly267Ser)

Gene: ELN (elastin; plus strand). Cytogenetic location: 7q11.23.
Variant type: single nucleotide variant.
Coding change: c.799G>A on transcript NM_000501.4 (MANE Select); coding-DNA position 799, G replaced by A.
Protein change: p.Gly267Ser; replaces glycine 267 with serine.
Molecular consequence: missense variant.
Genome position (GRCh38, 1-based): chr7:74,048,556, G>A. VCF-style: chr7-74048556-G-A. GRCh37 (hg19) VCF-style: chr7-73462886-G-A.
Other names: c.799G>A (NM_000501.2); c.769G>A, p.Gly257Ser (NM_001081752.3, NM_001278917.2); c.814G>A, p.Gly272Ser (NM_001081753.3, NM_001081754.3); c.799G>A, p.Gly267Ser (NM_001081755.3, NM_001278912.2, NM_001278915.2 and 1 more transcripts); c.691G>A, p.Gly231Ser (NM_001278913.2); c.784G>A, p.Gly262Ser (NM_001278914.2); c.757G>A, p.Gly253Ser (NM_001278916.2); c.667G>A, p.Gly223Ser (NM_001278918.2); short protein forms G223S, G231S, G253S, G257S, G262S, G267S, G272S.
Identifiers: ClinVar variation 1001978 (VCV001001978.11), dbSNP rs150092063, ClinGen allele CA4292696.

ClinVar aggregate classification (germline): Uncertain significance. Review status: criteria provided, multiple submitters, no conflicts (2 of 4 stars). 2 submissions from 2 submitters: Uncertain significance (2). Last evaluated 2025-07-30.

Conditions:
Supravalvar aortic stenosis (SVAS). Also called: Supravalvar aortic stenosis, Eisenberg type. Identifiers: Orphanet 3193, MedGen C0003499, MONDO:0008504, OMIM 185500, HP:0004381.

Allele frequency attached by ClinVar (database versions not stated): gnomAD exomes 0.00002 and 0.00005; gnomAD 0.00004; ExAC 0.00007; ESP Exome Variant Server 0.00008; TOPMed 0.00008.

Submissions (2):

Labcorp Genetics (formerly Invitae), Labcorp
Classification: Uncertain significance for Supravalvar aortic stenosis. Last evaluated: 2025-07-30. Review status: criteria provided, single submitter. Criteria: Invitae Variant Classification Sherloc (09022015). Collection method: clinical testing. Allele origin: germline.
Comment: This sequence change replaces glycine, which is neutral and non-polar, with serine, which is neutral and polar, at codon 267 of the ELN protein (p.Gly267Ser). This variant also falls at the last nucleotide of exon 15, which is part of the consensus splice site for this exon. This variant is present in population databases (rs150092063, gnomAD 0.04%), and has an allele count higher than expected for a pathogenic variant. This variant has not been reported in the literature in individuals affected with ELN-related conditions. ClinVar contains an entry for this variant (Variation ID: 1001978). Experimental studies and prediction algorithms are not available or were not evaluated, and the functional significance of this variant is currently unknown. Variants that disrupt the consensus splice site are a relatively common cause of aberrant splicing (PMID: 17576681, 9536098). Algorithms developed to predict the effect of sequence changes on RNA splicing suggest that this variant may disrupt the consensus splice site. In summary, the available evidence is currently insufficient to determine the role of this variant in disease. Therefore, it has been classified as a Variant of Uncertain Significance.

GeneDx
Classification: Uncertain significance. Last evaluated: 2023-01-27. Review status: criteria provided, single submitter. Criteria: GeneDx Variant Classification Process June 2021. Collection method: clinical testing. Allele origin: germline. Affected: yes.
Comment: Has not been previously published as pathogenic or benign to our knowledge; In silico analysis supports that this missense variant has a deleterious effect on protein structure/function

Literature cited by the submitters: PubMed 17576681 (cited by Labcorp Genetics (formerly Invitae), Labcorp); PubMed 9536098 (cited by Labcorp Genetics (formerly Invitae), Labcorp).